The following is an entry in ClinVar:

NM_000340.2(SLC2A2):c.739T>C (p.Tyr247His)

Gene: SLC2A2 (solute carrier family 2 member 2; minus strand). Cytogenetic location: 3q26.2.
Variant type: single nucleotide variant.
Coding change: c.739T>C on transcript NM_000340.2 (MANE Select); coding-DNA position 739, T replaced by C.
Protein change: p.Tyr247His; replaces tyrosine 247 with histidine.
Molecular consequence: missense variant.
Genome position (GRCh38, 1-based): chr3:171,005,979, A>G on the plus strand (T>C on the coding strand, the complement: SLC2A2 is on the minus strand). VCF-style: chr3-171005979-A-G. GRCh37 (hg19) VCF-style: chr3-170723768-A-G.
Other names: c.382T>C, p.Tyr128His (NM_001278658.2); c.220T>C, p.Tyr74His (NM_001278659.2); c.739T>C (NM_000340.1); short protein forms Y128H, Y74H, Y247H.
Identifiers: ClinVar variation 1934392 (VCV001934392.6), dbSNP rs1250722271, ClinGen allele CA355489266.
Genomic context (GRCh38, chr3:171,005,979, plus strand): 5'-AAGAAAAACCATCCACAGACTTACTTTGTTTTGCTTTGACTTCCTCATCTAACTTGATGT[A>G]AAGGTATCTGGGGCTTTCTGGACAGAAAAAGAGTAGCAGAGACTGAAGGATGGCTCGCAC-3'
Protein context (NP_000331.1, residues 237-257): FFCPESPRYL[Tyr247His]IKLDEEVKAK

ClinVar aggregate classification (germline): Uncertain significance. Review status: criteria provided, multiple submitters, no conflicts (2 of 4 stars). 2 submissions from 2 submitters: Uncertain significance (2). Last evaluated 2025-04-09.

Conditions:
Inborn genetic diseases. Identifiers: MedGen C0950123, MeSH D030342.
Fanconi-Bickel syndrome (FBS). Also called: FANCONI SYNDROME WITH INTESTINAL MALABSORPTION AND GALACTOSE INTOLERANCE; HEPATIC GLYCOGENOSIS WITH AMINO ACIDURIA AND GLUCOSURIA; HEPATIC GLYCOGENOSIS WITH FANCONI NEPHROPATHY; HEPATORENAL GLYCOGENOSIS WITH RENAL FANCONI SYNDROME; Glycogen storage disease due to GLUT2 deficiency; PSEUDO-PHLORIZIN DIABETES. Identifiers: Orphanet 2088, MedGen C3495427, MONDO:0009216, OMIM 227810.

Allele frequency attached by ClinVar (database versions not stated): gnomAD exomes 0.00001; TOPMed 0.00003.
gnomAD v4.1: 3 of 1,612,578 alleles (0.00019%); highest among the groups gnomAD compares: African/African-American, 0.004%; no homozygotes.

Submissions (2):

Ambry Genetics
Classification: Uncertain significance for Inborn genetic diseases. Last evaluated: 2025-04-09. Review status: criteria provided, single submitter. Criteria: Ambry Variant Classification Scheme 2023. Collection method: clinical testing. Allele origin: germline.

Labcorp Genetics (formerly Invitae), Labcorp
Classification: Uncertain significance for Fanconi-Bickel syndrome. Last evaluated: 2022-08-08. Review status: criteria provided, single submitter. Criteria: Invitae Variant Classification Sherloc (09022015). Collection method: clinical testing. Allele origin: germline.
Comment: In summary, the available evidence is currently insufficient to determine the role of this variant in disease. Therefore, it has been classified as a Variant of Uncertain Significance. Advanced modeling of protein sequence and biophysical properties (such as structural, functional, and spatial information, amino acid conservation, physicochemical variation, residue mobility, and thermodynamic stability) performed at Invitae indicates that this missense variant is expected to disrupt SLC2A2 protein function. This variant has not been reported in the literature in individuals affected with SLC2A2-related conditions. This variant is present in population databases (no rsID available, gnomAD 0.007%). This sequence change replaces tyrosine, which is neutral and polar, with histidine, which is basic and polar, at codon 247 of the SLC2A2 protein (p.Tyr247His).